The following is an entry in ClinVar:

ClinVar aggregate classification (germline): Benign. Review status: criteria provided, multiple submitters, no conflicts (2 of 4 stars). 19 submissions from 14 submitters: Benign (15). 4 of the submissions do not count toward it. Last evaluated 2026-05-08.

Conditions:
Fibrochondrogenesis 2 (FBCG2). Identifiers: Orphanet 2021, MedGen C3281128, MONDO:0013795, OMIM 614524.
Autosomal dominant nonsyndromic hearing loss 13. Identifiers: Orphanet 90635, MedGen C1866095, MONDO:0011159, OMIM 601868.
Autosomal recessive nonsyndromic hearing loss 53. Identifiers: Orphanet 90636, MedGen C1864746, MONDO:0012333, OMIM 609706.
Otospondylomegaepiphyseal dysplasia, autosomal recessive (OSMEDB). Also called: CHONDRODYSTROPHY WITH SENSORINEURAL DEAFNESS; Insley-Astley syndrome. Identifiers: Orphanet 1427, MedGen CN034493, MONDO:0044206, OMIM 215150.
Otospondylomegaepiphyseal dysplasia, autosomal dominant (OSMEDA). Also called: COL11A2-Related Stickler Syndrome; Stickler syndrome, type 3; Pierre Robin syndrome with fetal chondrodysplasia. Identifiers: Orphanet 166100, Orphanet 3450, MedGen C1848488, MONDO:0008490, OMIM 184840.

Allele frequency attached by ClinVar (database versions not stated): gnomAD exomes 0.74621 and 0.79046; ESP Exome Variant Server 0.77844; gnomAD 0.78559 and 0.79213; ExAC 0.78709; TOPMed 0.80146; 1000 Genomes Project 0.87819; 1000 Genomes Project 30x 0.88023.
gnomAD v4.1: 1,211,313 of 1,612,256 alleles (75%); highest among the groups gnomAD compares: East Asian, 99%; 459,205 homozygotes.

Submissions (19):

Women's Health and Genetics/Laboratory Corporation of America, LabCorp
Classification: Benign. Last evaluated: 2026-05-08. Review status: criteria provided, single submitter. Criteria: LabCorp Variant Classification Summary - May 2015. Collection method: clinical testing. Allele origin: germline.

Labcorp Genetics (formerly Invitae), Labcorp
Classification: Benign. Last evaluated: 2026-02-04. Review status: criteria provided, single submitter. Criteria: Invitae Variant Classification Sherloc (09022015). Collection method: clinical testing. Allele origin: germline.

Blueprint Genetics
Classification: Benign. Last evaluated: 2024-11-27. Review status: criteria provided, single submitter. Criteria: ACMG Guidelines, 2015. Collection method: clinical testing. Allele origin: germline.

Genome-Nilou Lab
Classification: Benign for Autosomal dominant nonsyndromic hearing loss 13. Last evaluated: 2021-07-22. Review status: criteria provided, single submitter. Criteria: ACMG Guidelines, 2015. Collection method: clinical testing. Allele origin: germline. Affected: no.

Genome-Nilou Lab
Classification: Benign for Autosomal recessive nonsyndromic hearing loss 53. Last evaluated: 2021-07-22. Review status: criteria provided, single submitter. Criteria: ACMG Guidelines, 2015. Collection method: clinical testing. Allele origin: germline. Affected: no.

Genome-Nilou Lab
Classification: Benign for Fibrochondrogenesis 2. Last evaluated: 2021-07-22. Review status: criteria provided, single submitter. Criteria: ACMG Guidelines, 2015. Collection method: clinical testing. Allele origin: germline. Affected: no.

Genome-Nilou Lab
Classification: Benign for Otospondylomegaepiphyseal dysplasia, autosomal dominant. Last evaluated: 2021-07-22. Review status: criteria provided, single submitter. Criteria: ACMG Guidelines, 2015. Collection method: clinical testing. Allele origin: germline. Affected: no.

Genome-Nilou Lab
Classification: Benign for Otospondylomegaepiphyseal dysplasia, autosomal recessive. Last evaluated: 2021-07-22. Review status: criteria provided, single submitter. Criteria: ACMG Guidelines, 2015. Collection method: clinical testing. Allele origin: germline. Affected: no.

Mayo Clinic Laboratories, Mayo Clinic
Classification: Benign. Last evaluated: 2020-01-27. Review status: criteria provided, single submitter. Criteria: ACMG Guidelines, 2015. Collection method: clinical testing. Allele origin: germline. Observed: 155 variant alleles.

Illumina Laboratory Services, Illumina
Classification: Benign for Fibrochondrogenesis 2. Last evaluated: 2018-01-13. Review status: criteria provided, single submitter. Criteria: ICSL Variant Classification Criteria 13 December 2019. Collection method: clinical testing. Allele origin: germline.
Comment: This variant was observed in the ICSL laboratory as part of a predisposition screen in an ostensibly healthy population. It had not been previously curated by ICSL or reported in the Human Gene Mutation Database (HGMD: prior to June 1st, 2018), and was therefore a candidate for classification through an automated scoring system. Utilizing variant allele frequency, disease prevalence and penetrance estimates, and inheritance mode, an automated score was calculated to assess if this variant is too frequent to cause the disease. Based on the score and internal cut-off values, a variant classified as benign is not then subjected to further curation. The score for this variant resulted in a classification of benign for this disease.

Illumina Laboratory Services, Illumina
Classification: Benign for Otospondylomegaepiphyseal dysplasia, autosomal recessive. Last evaluated: 2018-01-13. Review status: criteria provided, single submitter. Criteria: ICSL Variant Classification Criteria 13 December 2019. Collection method: clinical testing. Allele origin: germline.
Comment: the same text as in the submission from Illumina Laboratory Services, Illumina above.

GeneDx
Classification: Benign. Last evaluated: 2016-09-29. Review status: criteria provided, single submitter. Criteria: GeneDx Variant Classification (06012015). Collection method: clinical testing. Allele origin: germline. Affected: yes.
Comment: This variant is considered likely benign or benign based on one or more of the following criteria: it is a conservative change, it occurs at a poorly conserved position in the protein, it is predicted to be benign by multiple in silico algorithms, and/or has population frequency not consistent with disease.

Eurofins Ntd Llc (ga)
Classification: Benign. Last evaluated: 2015-12-14. Review status: criteria provided, single submitter. Criteria: EGL Classification Definitions 2015. Collection method: clinical testing. Allele origin: germline. Observed: 6 variant alleles, 3 heterozygotes, 3 homozygotes.

Laboratory for Molecular Medicine, Mass General Brigham Personalized Medicine
Classification: Benign. Last evaluated: 2012-05-07. Review status: criteria provided, single submitter. Criteria: LMM Criteria. Collection method: clinical testing. Allele origin: germline. Observed: 1,564 variant alleles.
Comment: "Asp900Asp in Exon 37 of COL11A2: This variant is not expected to have clinical significance because it does not alter an amino acid residue, is not located wit hin the splice consensus sequence, and has been identified in 26.8% (1205/4488) of European American chromosomes from a broad population by the NHLBI Exome Sequ encing Project (dbSNP rs2229785)."

PreventionGenetics, part of Exact Sciences
Classification: Benign. Review status: criteria provided, single submitter. Criteria: ACMG Guidelines, 2015. Collection method: clinical testing. Allele origin: germline.

Clinical Genetics DNA and cytogenetics Diagnostics Lab, Erasmus MC, Erasmus Medical Center
Classification: Benign. Review status: no assertion criteria provided. Collection method: clinical testing. Allele origin: germline. Affected: yes. Study: VKGL Data-share Consensus. Not counted in ClinVar's aggregate classification.

Diagnostic Laboratory, Department of Genetics, University Medical Center Groningen
Classification: Benign. Review status: no assertion criteria provided. Collection method: clinical testing. Allele origin: germline. Affected: yes. Study: VKGL Data-share Consensus. Not counted in ClinVar's aggregate classification.

Genome Diagnostics Laboratory, Amsterdam University Medical Center
Classification: Benign. Review status: no assertion criteria provided. Collection method: clinical testing. Allele origin: germline. Affected: yes. Study: VKGL Data-share Consensus. Not counted in ClinVar's aggregate classification.

Joint Genome Diagnostic Labs from Nijmegen and Maastricht, Radboudumc and MUMC+
Classification: Benign. Review status: no assertion criteria provided. Collection method: clinical testing. Allele origin: germline. Affected: yes. Study: VKGL Data-share Consensus. Not counted in ClinVar's aggregate classification.

NM_080680.3(COL11A2):c.2700T>C (p.Asp900=)

Gene: COL11A2 (collagen type XI alpha 2 chain; minus strand). Cytogenetic location: 6p21.32.
Variant type: single nucleotide variant.
Coding change: c.2700T>C on transcript NM_080680.3 (MANE Select); coding-DNA position 2700, T replaced by C.
Protein change: p.Asp900=; no amino-acid change (aspartic acid 900 retained).
Molecular consequence: synonymous variant.
Genome position (GRCh38, 1-based): chr6:33,173,384, A>G on the plus strand (T>C on the coding strand, the complement: COL11A2 is on the minus strand). VCF-style: chr6-33173384-A-G. GRCh37 (hg19) VCF-style: chr6-33141161-A-G.
Other names: p.Asp900=; c.2379T>C, p.Asp793= (NM_080679.3); c.2442T>C, p.Asp814= (NM_080681.3).
Identifiers: ClinVar variation 46562 (VCV000046562.32), dbSNP rs2229785, ClinGen allele CA138625.